The following is an entry in ClinVar:

ClinVar aggregate classification (germline): Pathogenic (3 of 4 stars; one submission).

Conditions:
Glanzmann thrombasthenia. Also called: THROMBASTHENIA OF GLANZMANN AND NAEGELI; BLEEDING DISORDER, PLATELET-TYPE, 2; Thrombasthenia; PLATELET GLYCOPROTEIN IIb-IIIa DEFICIENCY; Glanzmann's thrombasthenia. Identifiers: Orphanet 849, MedGen C0040015, MONDO:0100326.

Submission:

ClinGen Platelet Disorders Variant Curation Expert Panel, ClinGen
Classification: Pathogenic for Glanzmann thrombasthenia. Last evaluated: 2021-06-30. Review status: reviewed by expert panel. Criteria: ClinGen Platelet ACMG Specifications v2. Collection method: curation. Allele origin: germline. Inheritance: Autosomal recessive inheritance.
Comment: The NM_000212.3(ITGB3):c.1980C>A (p.Tyr660Ter) nonsense variant creates a premature stop codon in exon 12/15 leading to nonsense mediated decay in a gene in which loss-of-function is an established disease mechanism (PVS1). At least one proband has been reported with this variant, GT23 of PMID: 29675921 meets the criteria for PP4_strong. This variant is absent from gnomAD v2.1.1 (PM2_Supporting). In summary, this variant meets the criteria to be classified as Pathogenic for autosomal recessive Glanzmann Thrombasthenia based on the ACMG/AMP criteria applied, as specified by the ClinGen PD VCEP: PVS1, PM2_supporting, PP4_strong. (VCEP specifications version 2; date of approval xx/xx/xxxx)

NM_000212.3(ITGB3):c.1980C>A (p.Tyr660Ter)

Gene: ITGB3 (integrin subunit beta 3; plus strand). Cytogenetic location: 17q21.32.
Variant type: single nucleotide variant.
Coding change: c.1980C>A on transcript NM_000212.3 (MANE Select); coding-DNA position 1980, C replaced by A.
Protein change: p.Tyr660Ter; replaces tyrosine 660 with a stop codon.
Molecular consequence: nonsense.
Genome position (GRCh38, 1-based): chr17:47,300,544, C>A. VCF-style: chr17-47300544-C-A. GRCh37 (hg19) VCF-style: chr17-45377910-C-A.
Other names: NM_000212.3:c.1980C>A; short protein forms Y660*.
Identifiers: ClinVar variation 1330334 (VCV001330334.1), dbSNP rs777913442, ClinGen allele CA400032983.